The following is an entry in ClinVar:

NM_003001.5(SDHC):c.154C>T (p.Leu52=)

Gene: SDHC (succinate dehydrogenase complex subunit C; plus strand). Cytogenetic location: 1q23.3.
Variant type: single nucleotide variant.
Coding change: c.154C>T on transcript NM_003001.5 (MANE Select); coding-DNA position 154, C replaced by T.
Protein change: p.Leu52=; no amino-acid change (leucine 52 retained).
Molecular consequence: synonymous variant. On other transcripts: non-coding transcript variant (1), intron variant (4).
Genome position (GRCh38, 1-based): chr1:161,328,472, C>T. VCF-style: chr1-161328472-C-T. GRCh37 (hg19) VCF-style: chr1-161298262-C-T.
Other names: c.154C>T, p.Leu52= (NM_001035511.3, NM_001407115.1); c.97C>T, p.Leu33= (NM_001407116.1, NM_001407117.1, NM_001407121.1); c.43C>T, p.Leu15= (NM_001407119.1, NM_001407120.1); c.77+4802C>T (NM_001035512.3, NM_001278172.3, NM_001407118.1); c.21-12122C>T (NM_001035513.3).
Identifiers: ClinVar variation 2121728 (VCV002121728.5), dbSNP rs2526365269, ClinGen allele CA421408552.

ClinVar aggregate classification (germline): Benign/Likely benign. Review status: criteria provided, multiple submitters, no conflicts (2 of 4 stars). 2 submissions from 2 submitters: Benign (1); Likely benign (1). Last evaluated 2025-03-14.

Conditions:
Pheochromocytoma/paraganglioma syndrome 3. Also called: GLOMUS TUMORS, FAMILIAL, 3; SDHC-Related Hereditary Paraganglioma-Pheochromocytoma Syndrome (Paragangliomas 3); SDHC-Related Hereditary Paraganglioma-Pheochromocytoma Syndrome; Paragangliomas 3. Identifiers: Orphanet 29072, MedGen C1854336, MONDO:0011544, OMIM 605373.
Gastrointestinal stromal tumor. Also called: Gastrointestinal stroma tumor; Gastrointestinal stromal tumor, somatic. Identifiers: Orphanet 44890, MedGen C0238198, MeSH D046152, MONDO:0011719, OMIM 606764, HP:0100723.

Submissions (2):

Myriad Genetics, Inc.
Classification: Benign for Pheochromocytoma/paraganglioma syndrome 3. Last evaluated: 2025-03-14. Review status: criteria provided, single submitter. Criteria: Myriad Autosomal Dominant, Autosomal Recessive and X-Linked Classification Criteria (2023). Collection method: clinical testing. Allele origin: unknown.
Comment: This variant is considered benign. This variant is a silent/synonymous amino acid change and it is not expected to impact splicing.

Labcorp Genetics (formerly Invitae), Labcorp
Classification: Likely benign for Pheochromocytoma/paraganglioma syndrome 3; Gastrointestinal stromal tumor. Last evaluated: 2022-06-08. Review status: criteria provided, single submitter. Criteria: Invitae Variant Classification Sherloc (09022015). Collection method: clinical testing. Allele origin: germline.